The following is an entry in ClinVar:

NM_005996.4(TBX3):c.*423G>C

Gene: TBX3 (T-box transcription factor 3; minus strand). Cytogenetic location: 12q24.21.
Variant type: single nucleotide variant.
Coding change: c.*423G>C on transcript NM_005996.4 (MANE Select); 423 bases downstream of the stop codon, G replaced by C.
Molecular consequence: 3 prime UTR variant.
Genome position (GRCh38, 1-based): chr12:114,671,418, C>G on the plus strand (G>C on the coding strand, the complement: TBX3 is on the minus strand). VCF-style: chr12-114671418-C-G. GRCh37 (hg19) VCF-style: chr12-115109223-C-G.
Other names: c.*423G>C (NM_016569.4).
Identifiers: ClinVar variation 307341 (VCV000307341.6), dbSNP rs3741698, ClinGen allele CA10636563.

ClinVar aggregate classification (germline): Benign. Review status: criteria provided, multiple submitters, no conflicts (2 of 4 stars). 2 submissions from 2 submitters: Benign (2). Last evaluated 2018-01-12.

Conditions:
Ulnar-mammary syndrome (UMS). Also called: SCHINZEL SYNDROME; Ulnar-mammary syndrome of Pallister; PALLISTER ULNAR-MAMMARY SYNDROME. Identifiers: Orphanet 3138, MedGen C1866994, MONDO:0008411, OMIM 181450.

Allele frequency attached by ClinVar (database versions not stated): gnomAD exomes 0.30720; gnomAD 0.33707 and 0.33891; TOPMed 0.35720; 1000 Genomes Project 30x 0.39944; 1000 Genomes Project 0.40855.
gnomAD v4.1: 93,795 of 289,270 alleles (32%); highest among the groups gnomAD compares: East Asian, 52%; 16,510 homozygotes.

Submissions (2):

Illumina Laboratory Services, Illumina
Classification: Benign for Ulnar-mammary syndrome. Last evaluated: 2018-01-12. Review status: criteria provided, single submitter. Criteria: ICSL Variant Classification Criteria 13 December 2019. Collection method: clinical testing. Allele origin: germline.
Comment: This variant was observed in the ICSL laboratory as part of a predisposition screen in an ostensibly healthy population. It had not been previously curated by ICSL or reported in the Human Gene Mutation Database (HGMD: prior to June 1st, 2018), and was therefore a candidate for classification through an automated scoring system. Utilizing variant allele frequency, disease prevalence and penetrance estimates, and inheritance mode, an automated score was calculated to assess if this variant is too frequent to cause the disease. Based on the score and internal cut-off values, a variant classified as benign is not then subjected to further curation. The score for this variant resulted in a classification of benign for this disease.

Breakthrough Genomics
Classification: Benign. Review status: criteria provided, single submitter. Criteria: ACMG Guidelines, 2015. Collection method: not provided. Allele origin: germline. Inheritance: Autosomal dominant inheritance. Affected: yes.